The following is an entry in ClinVar:

ClinVar aggregate classification (germline): Likely benign. Review status: reviewed by expert panel (3 of 4 stars). 8 submissions from 8 submitters: Likely benign (1). 7 of the submissions do not count toward it. Last evaluated 2013-09-05.

Conditions:
Lynch syndrome. Identifiers: Orphanet 144, MedGen C4552100, MONDO:0005835. Disease mechanism: loss of function.
Lynch syndrome 5 (LYNCH5). Also called: Colorectal cancer, hereditary nonpolyposis, type 5; Hereditary non-polyposis colorectal cancer, type 5. Identifiers: Orphanet 144, MedGen C1833477, MONDO:0013710, OMIM 614350. Disease mechanism: loss of function.
Hereditary nonpolyposis colorectal neoplasms. Identifiers: MedGen C0009405, MeSH D003123.
Hereditary cancer-predisposing syndrome. Also called: Tumor predisposition; Hereditary Cancer Syndrome; Hereditary neoplastic syndrome; Neoplastic Syndromes, Hereditary. Identifiers: Orphanet 140162, MedGen C0027672, MeSH D009386, MONDO:0015356.

gnomAD v4.1: 2 of 1,614,096 alleles (0.00012%); highest among the groups gnomAD compares: Non-Finnish European, 0.00017%; no homozygotes.

Submissions (8):

International Society for Gastrointestinal Hereditary Tumours (InSiGHT)
Classification: Likely benign for Lynch Syndrome. Last evaluated: 2013-09-05. Review status: reviewed by expert panel. Criteria: Guidelines v1.9. Collection method: research. Allele origin: germline.
Comment: Multifactorial likelihood analysis posterior probability 0.001-0.049

Classified with v1.9 guidelines

Labcorp Genetics (formerly Invitae), Labcorp
Classification: Likely benign for Hereditary nonpolyposis colorectal neoplasms. Last evaluated: 2025-10-23. Review status: criteria provided, single submitter. Criteria: Invitae Variant Classification Sherloc (09022015). Collection method: clinical testing. Allele origin: germline. Not counted in ClinVar's aggregate classification.

Myriad Genetics, Inc.
Classification: Benign for Lynch syndrome 5. Last evaluated: 2024-12-31. Review status: criteria provided, single submitter. Criteria: Myriad Autosomal Dominant, Autosomal Recessive and X-Linked Classification Criteria (2023). Collection method: clinical testing. Allele origin: unknown. Not counted in ClinVar's aggregate classification.
Comment: This variant is considered benign. This variant is a silent/synonymous amino acid change and it is not expected to impact splicing.

All of Us Research Program, National Institutes of Health
Classification: Likely benign for Lynch syndrome. Last evaluated: 2024-06-09. Review status: criteria provided, single submitter. Criteria: ACMG Guidelines, 2015. Collection method: clinical testing. Allele origin: germline. Inheritance: Autosomal dominant inheritance. Observed: 2 variant alleles, 2 heterozygotes. Not counted in ClinVar's aggregate classification.
Comment: This study involves interpretation of variants in research participants for the purpose of population health screening. Participant phenotype was not available at the time of variant classification. Additional details can be found in publication PMID: 35346344, PMCID: PMC8962531

Sema4
Classification: Likely benign for Hereditary cancer-predisposing syndrome. Last evaluated: 2022-02-17. Review status: criteria provided, single submitter. Criteria: Sema4 Curation Guidelines. Collection method: curation. Allele origin: germline. Not counted in ClinVar's aggregate classification.

Color Diagnostics, LLC DBA Color Health
Classification: Likely benign for Hereditary cancer-predisposing syndrome. Last evaluated: 2019-06-19. Review status: criteria provided, single submitter. Criteria: ACMG Guidelines, 2015. Collection method: clinical testing. Allele origin: germline. Not counted in ClinVar's aggregate classification.

GeneDx
Classification: Likely benign. Last evaluated: 2017-09-05. Review status: criteria provided, single submitter. Criteria: GeneDx Variant Classification (06012015). Collection method: clinical testing. Allele origin: germline. Affected: yes. Not counted in ClinVar's aggregate classification.
Comment: This variant is considered likely benign or benign based on one or more of the following criteria: it is a conservative change, it occurs at a poorly conserved position in the protein, it is predicted to be benign by multiple in silico algorithms, and/or has population frequency not consistent with disease.

Ambry Genetics
Classification: Likely benign for Hereditary cancer-predisposing syndrome. Last evaluated: 2015-12-04. Review status: criteria provided, single submitter. Criteria: Ambry Variant Classification Scheme 2023. Collection method: clinical testing. Allele origin: germline. Not counted in ClinVar's aggregate classification.

NM_000179.3(MSH6):c.2319C>A (p.Leu773=)

Gene: MSH6 (mutS homolog 6; plus strand). Cytogenetic location: 2p16.3.
Variant type: single nucleotide variant.
Coding change: c.2319C>A on transcript NM_000179.3 (MANE Select); coding-DNA position 2319, C replaced by A.
Protein change: p.Leu773=; no amino-acid change (leucine 773 retained).
Molecular consequence: synonymous variant.
Genome position (GRCh38, 1-based): chr2:47,800,302, C>A. VCF-style: chr2-47800302-C-A. GRCh37 (hg19) VCF-style: chr2-48027441-C-A.
Other names: c.1929C>A, p.Leu643= (NM_001281492.2); c.1413C>A, p.Leu471= (NM_001281493.2, NM_001281494.2).
Identifiers: ClinVar variation 89268 (VCV000089268.21), dbSNP rs63749895, ClinGen allele CA010023.